The following is an entry in ClinVar:

NM_001040142.2(SCN2A):c.3455C>T (p.Ala1152Val)

Gene: SCN2A (sodium voltage-gated channel alpha subunit 2; plus strand). Cytogenetic location: 2q24.3.
Variant type: single nucleotide variant.
Coding change: c.3455C>T on transcript NM_001040142.2 (MANE Select); coding-DNA position 3455, C replaced by T.
Protein change: p.Ala1152Val; replaces alanine 1152 with valine.
Molecular consequence: missense variant.
Genome position (GRCh38, 1-based): chr2:165,365,198, C>T. VCF-style: chr2-165365198-C-T. GRCh37 (hg19) VCF-style: chr2-166221708-C-T.
Other names: c.3455C>T, p.Ala1152Val (NM_001040143.2, NM_001371246.1, NM_001371247.1 and 1 more transcripts); short protein forms A1152V.
Identifiers: ClinVar variation 1318461 (VCV001318461.9), dbSNP rs2105355801, ClinGen allele CA349024665.

ClinVar aggregate classification (germline): Uncertain significance. Review status: criteria provided, multiple submitters, no conflicts (2 of 4 stars). 2 submissions from 2 submitters: Uncertain significance (2). Last evaluated 2025-12-24.

Conditions:
Developmental and epileptic encephalopathy, 11 (DEE11). Also called: Early infantile epileptic encephalopathy 11. Identifiers: Orphanet 1934, MedGen C3150987, MONDO:0013388, OMIM 613721.
Seizures, benign familial infantile, 3 (BFIS3). Also called: CONVULSIONS, BENIGN FAMILIAL INFANTILE, 3; Familial neonatal seizures. Identifiers: Orphanet 140927, Orphanet 306, MedGen C1843140, MONDO:0011904, OMIM 607745.

Submissions (2):

Labcorp Genetics (formerly Invitae), Labcorp
Classification: Uncertain significance for Seizures, benign familial infantile, 3; Developmental and epileptic encephalopathy, 11. Last evaluated: 2025-12-24. Review status: criteria provided, single submitter. Criteria: Invitae Variant Classification Sherloc (09022015). Collection method: clinical testing. Allele origin: germline.
Comment: This sequence change replaces alanine, which is neutral and non-polar, with valine, which is neutral and non-polar, at codon 1152 of the SCN2A protein (p.Ala1152Val). This variant is not present in population databases (gnomAD no frequency). This variant has not been reported in the literature in individuals affected with SCN2A-related conditions. ClinVar contains an entry for this variant (Variation ID: 1318461). Invitae Evidence Modeling of protein sequence and biophysical properties (such as structural, functional, and spatial information, amino acid conservation, physicochemical variation, residue mobility, and thermodynamic stability) indicates that this missense variant is not expected to disrupt SCN2A protein function with a negative predictive value of 95%. In summary, the available evidence is currently insufficient to determine the role of this variant in disease. Therefore, it has been classified as a Variant of Uncertain Significance.

GeneDx
Classification: Uncertain significance. Last evaluated: 2019-04-10. Review status: criteria provided, single submitter. Criteria: GeneDx Variant Classification Process June 2021. Collection method: clinical testing. Allele origin: germline. Affected: yes.
Comment: Not observed in large population cohorts (Lek et al., 2016); The majority of missense variants in this gene are considered pathogenic (Stenson et al., 2014); In silico analysis, which includes protein predictors and evolutionary conservation, supports that this variant does not alter protein structure/function; Has not been previously published as pathogenic or benign to our knowledge; Predicted to be within the cytoplasmic loop between the second and third homologous domains